The following is an entry in ClinVar:

ClinVar aggregate classification (germline): Likely benign. Review status: criteria provided, multiple submitters, no conflicts (2 of 4 stars). 2 submissions from 2 submitters: Likely benign (2). Last evaluated 2025-01-11.

Conditions:
Familial adenomatous polyposis 1 (FAP1). Also called: FAMILIAL ADENOMATOUS POLYPOSIS 1, ATTENUATED; POLYPOSIS, ADENOMATOUS INTESTINAL. Identifiers: MedGen C2713442, MONDO:0021056, OMIM 175100. Disease mechanism: loss of function.

Allele frequency attached by ClinVar (database versions not stated): gnomAD exomes below 0.00001.
gnomAD v4.1: 1 of 1,539,462 alleles (0.000065%); highest among the groups gnomAD compares: Non-Finnish European, 0.000088%; no homozygotes.

Submissions (2):

Labcorp Genetics (formerly Invitae), Labcorp
Classification: Likely benign for Familial adenomatous polyposis 1. Last evaluated: 2025-01-11. Review status: criteria provided, single submitter. Criteria: Invitae Variant Classification Sherloc (09022015). Collection method: clinical testing. Allele origin: germline.

Myriad Genetics, Inc.
Classification: Likely benign for Familial adenomatous polyposis 1. Last evaluated: 2024-02-29. Review status: criteria provided, single submitter. Criteria: Myriad Autosomal Dominant, Autosomal Recessive and X-Linked Classification Criteria (2023). Collection method: clinical testing. Allele origin: unknown.
Comment: This variant is considered likely benign. This variant is intronic and is not expected to impact mRNA splicing.

NM_000038.6(APC):c.934-16C>T

Gene: APC (APC regulator of Wnt signaling pathway; plus strand). Cytogenetic location: 5q22.2.
Variant type: single nucleotide variant.
Coding change: c.934-16C>T on transcript NM_000038.6 (MANE Select); 16 bases into the intron before coding-DNA position 934, C replaced by T.
Molecular consequence: intron variant.
Genome position (GRCh38, 1-based): chr5:112,818,950, C>T. VCF-style: chr5-112818950-C-T. GRCh37 (hg19) VCF-style: chr5-112154647-C-T.
Other names: c.85-16C>T (NM_001407470.1, NM_001354906.2); c.85-319C>T (NM_001407472.1, NM_001407471.1); c.934-16C>T (NM_001407447.1, NM_001354895.2, NM_001407448.1 and 4 more transcripts); c.934-319C>T (NM_001407456.1, NM_001407460.1, NM_001407457.1 and 5 more transcripts); c.850-16C>T (NM_001407452.1, NM_001354899.2); c.850-319C>T (NM_001407469.1, NM_001407467.1); c.964-16C>T (NM_001407446.1, NM_001354897.2); c.964-319C>T (NM_001354902.2); and 5 more.
Identifiers: ClinVar variation 2728691 (VCV002728691.4), dbSNP rs2149778441, ClinGen allele CA2674866794.